The following is an entry in ClinVar:

ClinVar aggregate classification (germline): Uncertain significance (1 of 4 stars; one submission).

Allele frequency attached by ClinVar (database versions not stated): gnomAD exomes below 0.00001; TOPMed 0.00001.
gnomAD v4.1: 4 of 1,613,664 alleles (0.00025%); highest among the groups gnomAD compares: South Asian, 0.0044%; no homozygotes.

Submission:

Labcorp Genetics (formerly Invitae), Labcorp
Classification: Uncertain significance. Last evaluated: 2018-01-08. Review status: criteria provided, single submitter. Criteria: Invitae Variant Classification Sherloc (09022015). Collection method: clinical testing. Allele origin: germline.
Comment: In summary, the available evidence is currently insufficient to determine the role of this variant in disease. Therefore, it has been classified as a Variant of Uncertain Significance. Algorithms developed to predict the effect of missense changes on protein structure and function (SIFT, PolyPhen-2, Align-GVGD) all suggest that this variant is likely to be tolerated, but these predictions have not been confirmed by published functional studies and their clinical significance is uncertain. This variant has not been reported in the literature in individuals with SCN3A-related disease. This variant is not present in population databases (ExAC no frequency). This sequence change replaces valine with isoleucine at codon 1288 of the SCN3A protein (p.Val1288Ile). The valine residue is moderately conserved and there is a small physicochemical difference between valine and isoleucine.

NM_006922.4(SCN3A):c.3862G>A (p.Val1288Ile)

Gene: SCN3A (sodium voltage-gated channel alpha subunit 3; minus strand). Cytogenetic location: 2q24.3.
Variant type: single nucleotide variant.
Coding change: c.3862G>A on transcript NM_006922.4 (MANE Select); coding-DNA position 3862, G replaced by A.
Protein change: p.Val1288Ile; replaces valine 1288 with isoleucine.
Molecular consequence: missense variant.
Genome position (GRCh38, 1-based): chr2:165,100,406, C>T on the plus strand (G>A on the coding strand, the complement: SCN3A is on the minus strand). VCF-style: chr2-165100406-C-T. GRCh37 (hg19) VCF-style: chr2-165956916-C-T.
Other names: c.3715G>A, p.Val1239Ile (NM_001081676.2, NM_001081677.2); short protein forms V1288I, V1239I.
Identifiers: ClinVar variation 1043777 (VCV001043777.8), dbSNP rs1463058668, ClinGen allele CA349028457.
Genomic context (GRCh38, chr2:165,100,406, plus strand): 5'-CTCTTAATGTCCGTAATGATTTGATGGCACCGAGTTCTGAGTAGCCAAGAGCATTGGCTA[C>T]CAGGCTAACCAAAGAAACCTACAAAAGGAAAAAAAAATTAATTAGTTCACCAAGAAATAA-3'
Protein context (NP_008853.3, residues 1278-1298): LIVDVSLVSL[Val1288Ile]ANALGYSELG